The following is an entry in ClinVar:

ClinVar aggregate classification (germline): Uncertain significance (1 of 4 stars; one submission).

Conditions:
Symmetrical dyschromatosis of extremities (DSH). Also called: RETICULATE ACROPIGMENTATION OF DOHI; SYMMETRIC DYSCHROMATOSIS OF THE EXTREMITIES; Dyschromatosis symmetrica hereditaria; DYSCHROMATOSIS SYMMETRICA HEREDITARIA 1. Identifiers: Orphanet 41, MedGen C0406775, MONDO:0007483, OMIM 127400.
Aicardi-Goutieres syndrome 6 (AGS6). Identifiers: Orphanet 51, MedGen C3539013, MONDO:0014007, OMIM 615010.

Allele frequency attached by ClinVar (database versions not stated): gnomAD 0.00001; TOPMed 0.00002.
gnomAD v4.1: 2 of 1,614,062 alleles (0.00012%); highest among the groups gnomAD compares: Non-Finnish European, 0.00017%; no homozygotes.

Submission:

Labcorp Genetics (formerly Invitae), Labcorp
Classification: Uncertain significance for Aicardi-Goutieres syndrome 6; Symmetrical dyschromatosis of extremities. Last evaluated: 2024-10-16. Review status: criteria provided, single submitter. Criteria: Invitae Variant Classification Sherloc (09022015). Collection method: clinical testing. Allele origin: germline.
Comment: This sequence change replaces threonine, which is neutral and polar, with isoleucine, which is neutral and non-polar, at codon 685 of the ADAR protein (p.Thr685Ile). This variant is not present in population databases (gnomAD no frequency). This variant has not been reported in the literature in individuals affected with ADAR-related conditions. ClinVar contains an entry for this variant (Variation ID: 2198268). Invitae Evidence Modeling of protein sequence and biophysical properties (such as structural, functional, and spatial information, amino acid conservation, physicochemical variation, residue mobility, and thermodynamic stability) indicates that this missense variant is not expected to disrupt ADAR protein function with a negative predictive value of 80%. In summary, the available evidence is currently insufficient to determine the role of this variant in disease. Therefore, it has been classified as a Variant of Uncertain Significance.

NM_001111.5(ADAR):c.2054C>T (p.Thr685Ile)

Gene: ADAR (adenosine deaminase RNA specific; minus strand). Cytogenetic location: 1q21.3.
Variant type: single nucleotide variant.
Coding change: c.2054C>T on transcript NM_001111.5 (MANE Select); coding-DNA position 2054, C replaced by T.
Protein change: p.Thr685Ile; replaces threonine 685 with isoleucine.
Molecular consequence: missense variant.
Genome position (GRCh38, 1-based): chr1:154,597,148, G>A on the plus strand (C>T on the coding strand, the complement: ADAR is on the minus strand). VCF-style: chr1-154597148-G-A. GRCh37 (hg19) VCF-style: chr1-154569624-G-A.
Other names: c.1169C>T, p.Thr390Ile (NM_001025107.3, NM_001193495.2, NM_001365046.1 and 3 more transcripts); c.2081C>T, p.Thr694Ile (NM_001365045.1); c.2054C>T, p.Thr685Ile (NM_015840.4, NM_015841.4); short protein forms T685I, T390I, T694I.
Identifiers: ClinVar variation 2198268 (VCV002198268.4), dbSNP rs1220106621, ClinGen allele CA342638128.
Genomic context (GRCh38, chr1:154,597,148, plus strand): 5'-ATGACCTGTATCTTTTGAGTAGGAAAACGCCCTACCTGGTTATCAGAAGCCATGGAGTTG[G>A]TCGCCTCCCCATGCAGGGCCTTCATGGCTTCCTCTGCGGCCATCTGCTTTGCCACTTTCT-3'
Protein context (NP_001102.3, residues 675-695): EAMKALHGEA[Thr685Ile]NSMASDNQPE